The following is an entry in ClinVar:

NM_014423.4(AFF4):c.857A>T (p.Glu286Val)

Gene: AFF4 (ALF transcription elongation factor 4; minus strand). Cytogenetic location: 5q31.1.
Variant type: single nucleotide variant.
Coding change: c.857A>T on transcript NM_014423.4 (MANE Select); coding-DNA position 857, A replaced by T.
Protein change: p.Glu286Val; replaces glutamic acid 286 with valine.
Molecular consequence: missense variant.
Genome position (GRCh38, 1-based): chr5:132,934,208, T>A on the plus strand (A>T on the coding strand, the complement: AFF4 is on the minus strand). VCF-style: chr5-132934208-T-A. GRCh37 (hg19) VCF-style: chr5-132269900-T-A.
Other names: short protein forms E286V.
Identifiers: ClinVar variation 4021841 (VCV004021841.2).

ClinVar aggregate classification (germline): Uncertain significance. Review status: criteria provided, multiple submitters, no conflicts (2 of 4 stars). 2 submissions from 2 submitters: Uncertain significance (2). Last evaluated 2025-06-03.

Conditions:
Inborn genetic diseases. Identifiers: MedGen C0950123, MeSH D030342.
AFF4-related disorder. Also called: AFF4-related condition.

gnomAD v4.1: 19 of 1,614,080 alleles (0.0012%); highest among the groups gnomAD compares: Admixed American, 0.0017%; no homozygotes.

Submissions (2):

Ambry Genetics
Classification: Uncertain significance for Inborn genetic diseases. Last evaluated: 2025-06-03. Review status: criteria provided, single submitter. Criteria: Ambry Variant Classification Scheme 2023. Collection method: clinical testing. Allele origin: germline.

PreventionGenetics, part of Exact Sciences
Classification: Uncertain significance for AFF4-related condition. Last evaluated: 2025-04-07. Review status: criteria provided, single submitter. Criteria: ACMG Guidelines, 2015. Collection method: clinical testing. Allele origin: germline.
Comment: The AFF4 c.857A>T variant is predicted to result in the amino acid substitution p.Glu286Val. To our knowledge, this variant has not been reported in the literature. This variant is reported in 0.0080% of alleles in individuals of European (Finnish) descent in gnomAD. At this time, the clinical significance of this variant is uncertain due to the absence of conclusive functional and genetic evidence.